The following is an entry in ClinVar:

ClinVar aggregate classification (germline): Uncertain significance (1 of 4 stars; one submission).

Conditions:
Cholestasis, intrahepatic, of pregnancy, 3. Identifiers: Orphanet 69665, MedGen C3554241, MONDO:0013995, OMIM 614972.

Submission:

Centre for Mendelian Genomics, University Medical Centre Ljubljana
Classification: Uncertain significance for Cholestasis, intrahepatic, of pregnancy, 3. Last evaluated: 2019-09-09. Review status: criteria provided, single submitter. Criteria: ACMG Guidelines, 2015. Collection method: clinical testing. Allele origin: unknown. Affected: yes.
Comment: This variant was classified as: Uncertain significance. The available evidence favors the pathogenic nature of this variant, however the currently available data is insufficient to conclusively support its pathogenic nature. Thus this variant is classified as Uncertain significance - favor pathogenic. The following ACMG criteria were applied in classifying this variant: PM2,PP3.

NM_000443.4(ABCB4):c.2161A>C (p.Asn721His)

Gene: ABCB4 (ATP binding cassette subfamily B member 4; minus strand). Cytogenetic location: 7q21.12.
Variant type: single nucleotide variant.
Coding change: c.2161A>C on transcript NM_000443.4 (MANE Select); coding-DNA position 2161, A replaced by C.
Protein change: p.Asn721His; replaces asparagine 721 with histidine.
Molecular consequence: missense variant.
Genome position (GRCh38, 1-based): chr7:87,423,956, T>G on the plus strand (A>C on the coding strand, the complement: ABCB4 is on the minus strand). VCF-style: chr7-87423956-T-G. GRCh37 (hg19) VCF-style: chr7-87053272-T-G.
Other names: c.2161A>C, p.Asn721His (NM_018849.3, NM_018850.3); short protein forms N721H.
Identifiers: ClinVar variation 931717 (VCV000931717.3), dbSNP rs1809631786, ClinGen allele CA368030839.